The following is an entry in ClinVar:

ClinVar aggregate classification (germline): Uncertain significance (1 of 4 stars; one submission).

gnomAD v4.1: 3 of 1,614,142 alleles (0.00019%); highest among the groups gnomAD compares: African/African-American, 0.0013%; no homozygotes.

Submission:

Labcorp Genetics (formerly Invitae), Labcorp
Classification: Uncertain significance. Last evaluated: 2025-04-13. Review status: criteria provided, single submitter. Criteria: Invitae Variant Classification Sherloc (09022015). Collection method: clinical testing. Allele origin: germline.
Comment: This sequence change replaces threonine, which is neutral and polar, with asparagine, which is neutral and polar, at codon 339 of the CETP protein (p.Thr339Asn). This variant is present in population databases (no rsID available, gnomAD 0.0009%). This variant has not been reported in the literature in individuals affected with CETP-related conditions. Invitae Evidence Modeling of protein sequence and biophysical properties (such as structural, functional, and spatial information, amino acid conservation, physicochemical variation, residue mobility, and thermodynamic stability) indicates that this missense variant is not expected to disrupt CETP protein function with a negative predictive value of 80%. In summary, the available evidence is currently insufficient to determine the role of this variant in disease. Therefore, it has been classified as a Variant of Uncertain Significance.

NM_000078.3(CETP):c.1016C>A (p.Thr339Asn)

Gene: CETP (cholesteryl ester transfer protein; plus strand). Cytogenetic location: 16q13.
Variant type: single nucleotide variant.
Coding change: c.1016C>A on transcript NM_000078.3 (MANE Select); coding-DNA position 1016, C replaced by A.
Protein change: p.Thr339Asn; replaces threonine 339 with asparagine.
Molecular consequence: missense variant.
Genome position (GRCh38, 1-based): chr16:56,978,125, C>A. VCF-style: chr16-56978125-C-A. GRCh37 (hg19) VCF-style: chr16-57012037-C-A.
Other names: c.836C>A, p.Thr279Asn (NM_001286085.2); short protein forms T339N, T279N.
Identifiers: ClinVar variation 4695854 (VCV004695854.1).